The following is an entry in ClinVar:

ClinVar aggregate classification (germline): Benign/Likely benign. Review status: criteria provided, multiple submitters, no conflicts (2 of 4 stars). 3 submissions from 3 submitters: Benign (2); Likely benign (1). Last evaluated 2025-10-15.

Conditions:
Developmental and epileptic encephalopathy, 11 (DEE11). Also called: Early infantile epileptic encephalopathy 11. Identifiers: Orphanet 1934, MedGen C3150987, MONDO:0013388, OMIM 613721.
Seizures, benign familial infantile, 3 (BFIS3). Also called: CONVULSIONS, BENIGN FAMILIAL INFANTILE, 3; Familial neonatal seizures. Identifiers: Orphanet 140927, Orphanet 306, MedGen C1843140, MONDO:0011904, OMIM 607745.

Allele frequency attached by ClinVar (database versions not stated): TOPMed 0.00007; gnomAD 0.00014 and 0.00015; ESP Exome Variant Server 0.00015; 1000 Genomes Project 30x 0.00016; gnomAD exomes 0.00018 and 0.00021; 1000 Genomes Project 0.00020; ExAC 0.00021.

Submissions (3):

Labcorp Genetics (formerly Invitae), Labcorp
Classification: Benign for Seizures, benign familial infantile, 3; Developmental and epileptic encephalopathy, 11. Last evaluated: 2025-10-15. Review status: criteria provided, single submitter. Criteria: Invitae Variant Classification Sherloc (09022015). Collection method: clinical testing. Allele origin: germline.

Blueprint Genetics
Classification: Likely benign. Last evaluated: 2024-10-24. Review status: criteria provided, single submitter. Criteria: ACMG Guidelines, 2015. Collection method: clinical testing. Allele origin: germline.

GeneDx
Classification: Benign. Last evaluated: 2014-06-13. Review status: criteria provided, single submitter. Criteria: GeneDx Variant Classification (06012015). Collection method: clinical testing. Allele origin: germline. Affected: yes.
Comment: This variant is considered likely benign or benign based on one or more of the following criteria: it is a conservative change, it occurs at a poorly conserved position in the protein, it is predicted to be benign by multiple in silico algorithms, and/or has population frequency not consistent with disease.

NM_001040142.2(SCN2A):c.2149+19G>A

Gene: SCN2A (sodium voltage-gated channel alpha subunit 2; plus strand). Cytogenetic location: 2q24.3.
Variant type: single nucleotide variant.
Coding change: c.2149+19G>A on transcript NM_001040142.2 (MANE Select); 19 bases into the intron after coding-DNA position 2149, G replaced by A.
Molecular consequence: intron variant.
Genome position (GRCh38, 1-based): chr2:165,327,003, G>A. VCF-style: chr2-165327003-G-A. GRCh37 (hg19) VCF-style: chr2-166183513-G-A.
Other names: c.2149+19G>A (NM_001040143.2, NM_001371246.1, NM_001371247.1 and 1 more transcripts).
Identifiers: ClinVar variation 206964 (VCV000206964.10), dbSNP rs188453890, ClinGen allele CA317866.